The following is an entry in ClinVar:

NM_000124.4(ERCC6):c.2599-26A>G

Gene: ERCC6 (ERCC excision repair 6, chromatin remodeling factor; minus strand). Cytogenetic location: 10q11.23.
Variant type: single nucleotide variant.
Coding change: c.2599-26A>G on transcript NM_000124.4 (MANE Select); 26 bases into the intron before coding-DNA position 2599, A replaced by G.
Molecular consequence: intron variant.
Genome position (GRCh38, 1-based): chr10:49,473,613, T>C on the plus strand (A>G on the coding strand, the complement: ERCC6 is on the minus strand). VCF-style: chr10-49473613-T-C. GRCh37 (hg19) VCF-style: chr10-50681659-T-C.
Other names: c.2599-26A>G (NM_001346440.2).
Identifiers: ClinVar variation 190162 (VCV000190162.18), dbSNP rs4253196, ClinGen allele CA274704.
Genomic context (GRCh38, chr10:49,473,613, plus strand): 5'-TGGGCTCTAAGGAATACTTCAAGTATGTCCAGCATCTGTTTGGAGGTGGGGGATAGGAGT[T>C]TGCAAAGCAAATACACATTCCCAGTGAGTGCTTCTCTATTTGTGTAAATGGTAACACCTT-3'

ClinVar aggregate classification (germline): Pathogenic/Likely pathogenic. Review status: criteria provided, multiple submitters, no conflicts (2 of 4 stars). 12 submissions from 12 submitters: Pathogenic (10); Likely pathogenic (1). 1 of the submissions does not count toward it. Last evaluated 2025-09-15.

Conditions:
Paediatric disorders.
Cockayne syndrome type 2 (CSB). Also called: COCKAYNE SYNDROME B; Cockayne Syndrome, Type II. Identifiers: Orphanet 191, Orphanet 90322, MedGen C0751038, MONDO:0019570, OMIM 133540.
DE SANCTIS-CACCHIONE SYNDROME. Identifiers: MedGen C0265201, MONDO:0010217, OMIM 278800.
Cerebrooculofacioskeletal syndrome 1 (COFS1). Also called: Cerebro-oculo-facio-skeletal syndrome 1. Identifiers: MedGen C0220722, MONDO:0008955, OMIM 214150.
UV-sensitive syndrome 1 (UVSS1). Identifiers: Orphanet 178338, MedGen C3551173, MONDO:0010909, OMIM 600630.
Lung cancer. Also called: Malignant tumor of lung; Lung cancer, somatic. Identifiers: MedGen C0242379, MONDO:0008903, OMIM 211980.
Premature ovarian failure 11 (POF11). Identifiers: MedGen C4310783, MONDO:0014843, OMIM 616946.
Age related macular degeneration 5. Identifiers: MedGen C3151063, MONDO:0013409, OMIM 613761.
ERCC6-related disorder. Also called: ERCC6-related condition; ERCC6-related disorders. Identifiers: MedGen CN239385.
Cockayne syndrome. Identifiers: Orphanet 191, MedGen C0009207, MONDO:0016006.

Allele frequency attached by ClinVar (database versions not stated): gnomAD 0.00006; ExAC 0.00002; TOPMed 0.00006; ESP Exome Variant Server 0.00008; gnomAD exomes 0.00005.
gnomAD v4.1: 143 of 1,344,152 alleles (0.011%); highest among the groups gnomAD compares: Non-Finnish European, 0.015%; no homozygotes.

Submissions (12):

North West Genomic Laboratory Hub, Manchester University NHS Foundation Trust
Classification: Pathogenic for Paediatric disorders. Last evaluated: 2025-09-15. Review status: criteria provided, single submitter. Criteria: ACGS Best Practice Guidelines for Variant Classification in Rare Disease 2024. Collection method: clinical testing. Allele origin: germline. Affected: yes.
Comment: PM3_VStr PM2_Mod PVS1_VStr

GeneDx
Classification: Pathogenic. Last evaluated: 2025-08-08. Review status: criteria provided, single submitter. Criteria: GeneDx Variant Classification Process June 2021. Collection method: clinical testing. Allele origin: germline. Affected: yes.
Comment: RNA studies demonstrate a damaging effect: gain of a cryptic acceptor site leading to a 25-bp insertion (PMID: 19894250); In silico analysis supports a deleterious effect on splicing; This variant is associated with the following publications: (PMID: 19894250, 34878179, 9443879, 29572252, 27004399)

Labcorp Genetics (formerly Invitae), Labcorp
Classification: Pathogenic. Last evaluated: 2025-04-17. Review status: criteria provided, single submitter. Criteria: Invitae Variant Classification Sherloc (09022015). Collection method: clinical testing. Allele origin: germline.
Comment: This sequence change falls in intron 13 of the ERCC6 gene. It does not directly change the encoded amino acid sequence of the ERCC6 protein. RNA analysis indicates that this variant induces altered splicing and may result in an absent or altered protein product. This variant is present in population databases (rs4253196, gnomAD 0.01%). This variant has been observed in individual(s) with Cockayne syndrome (PMID: 19894250, 27004399, 29572252). In at least one individual the data is consistent with being in trans (on the opposite chromosome) from a pathogenic variant. ClinVar contains an entry for this variant (Variation ID: 190162). Studies have shown that this variant results in partial insertion of intron 13 into the mRNA, and produces a non-functional protein and/or introduces a premature termination codon (PMID: 9443879, 29572252). For these reasons, this variant has been classified as Pathogenic.

Greenwood Genetic Center Diagnostic Laboratories, Greenwood Genetic Center
Classification: Pathogenic for ERCC6-related disorder. Last evaluated: 2025-04-14. Review status: criteria provided, single submitter. Criteria: ACMG Guidelines, 2015. Collection method: clinical testing. Allele origin: germline. Affected: yes.
Comment: PM2, PM3_Very Strong, PP3

PreventionGenetics, part of Exact Sciences
Classification: Pathogenic for ERCC6-related condition. Last evaluated: 2024-11-22. Review status: criteria provided, single submitter. Criteria: ACMG Guidelines, 2015. Collection method: clinical testing. Allele origin: germline.
Comment: The ERCC6 c.2599-26A>G variant is predicted to interfere with splicing. This variant has been previously reported in the compound heterozygous state in individuals with Cockayne syndrome or nucleotide excision repair (NER)-related disorders (Laugel et al. 2010. PubMed ID: 19894250; Calmels et al. 2016. PubMed ID: 27004399; Calmels et al. 2018. PubMed ID: 29572252). This variant is reported in 0.010% of alleles in individuals of European (non-Finnish) descent in gnomAD. This variant is interpreted as pathogenic.

Blueprint Genetics
Classification: Pathogenic for ERCC6-related disorders. Last evaluated: 2024-11-01. Review status: criteria provided, single submitter. Criteria: ACMG Guidelines, 2015. Collection method: clinical testing. Allele origin: germline. Affected: yes. Observed: 3 variant alleles.

Fulgent Genetics
Classification: Pathogenic for Cockayne syndrome type 2; Lung cancer; Cerebrooculofacioskeletal syndrome 1; DE SANCTIS-CACCHIONE SYNDROME; UV-sensitive syndrome 1; Age related macular degeneration 5; Premature ovarian failure 11. Last evaluated: 2024-05-15. Review status: criteria provided, single submitter. Criteria: ACMG Guidelines, 2015. Collection method: clinical testing. Allele origin: germline.

Women's Health and Genetics/Laboratory Corporation of America, LabCorp
Classification: Pathogenic for Cockayne syndrome. Last evaluated: 2022-06-03. Review status: criteria provided, single submitter. Criteria: LabCorp Variant Classification Summary - May 2015. Collection method: clinical testing. Allele origin: germline.
Comment: Variant summary: ERCC6 c.2599-26A>G is located at a position not widely known to affect splicing. Several computational tools predict a significant impact on normal splicing: Four predict the variant creates a cryptic 3 acceptor site. At least two publications report experimental evidence that this variant affects mRNA splicing and results in a 25-bp insertion corresponding to the end of intron 13, predicted as p.Met867ThrfsX14. The variant allele was found at a frequency of 5.2e-05 in 251018 control chromosomes (gnomAD). This frequency is not significantly higher than expected for a pathogenic variant in ERCC6 causing Cockayne Syndrome (5.2e-05 vs 0.0016), allowing no conclusion about variant significance. c.2599-26A>G has been reported in the literature in multiple compound heterozygous and homozygous individuals affected with Cockayne Syndrome (Mallery_1998, Laugel_2010, Calmels_2018). These data indicate that the variant is very likely to be associated with disease. Four ClinVar submitters (evaluation after 2014) cite the variant as uncertain significance (n=1), likely pathogenic (n=1) and pathogenic (n=2). Based on the evidence outlined above, the variant was classified as pathogenic.

Rady Children's Institute for Genomic Medicine, Rady Children's Hospital San Diego
Classification: Likely pathogenic for COCKAYNE SYNDROME B. Last evaluated: 2020-03-02. Review status: criteria provided, single submitter. Criteria: ACMG Guidelines, 2015. Collection method: clinical testing. Allele origin: germline. Affected: yes.
Comment: This variant has been previously reported as a compound heterozygous change in five individuals and as a homozygous change in one individual with Cockayne Syndrome (PMID: 19894250, 29572252). It is present in the heterozygous state in the gnomAD population database at a frequency of 0.0053% (15/282404) and thus is presumed to be rare. Multiple splice prediction tools suggest this variant is likely to interfere with normal splicing. Based on the available evidence, the c.2599-26A>G variant is classified as Likely Pathogenic.

Baylor Genetics
Classification: Pathogenic for Cockayne syndrome type 2. Last evaluated: 2017-09-01. Review status: criteria provided, single submitter. Criteria: ACMG Guidelines, 2015. Collection method: clinical testing. Allele origin: germline. Inheritance: Autosomal recessive inheritance. Affected: yes.
Comment: Heterozygotes are expected to be asymptomatic carriers.

Claritas Genomics
Classification: Pathogenic for Cockayne syndrome, type B. Last evaluated: 2012-04-17. Review status: criteria provided, single submitter. Criteria: ACMG Guidelines, 2007. Collection method: clinical testing. Allele origin: germline. Inheritance: Autosomal recessive inheritance.

Counsyl
Classification: Uncertain significance for Cockayne syndrome type 2; Cerebrooculofacioskeletal syndrome 1; DE SANCTIS-CACCHIONE SYNDROME. Last evaluated: 2017-04-14. Review status: no assertion criteria provided. Collection method: clinical testing. Allele origin: unknown. Not counted in ClinVar's aggregate classification.

Literature cited by the submitters: PubMed 19894250 (cited by 4 submitters); PubMed 27004399 (cited by Labcorp Genetics (formerly Invitae), Labcorp and Counsyl); PubMed 29572252 (cited by Labcorp Genetics (formerly Invitae), Labcorp and Women's Health and Genetics/Laboratory Corporation of America, LabCorp); PubMed 9443879 (cited by Labcorp Genetics (formerly Invitae), Labcorp and Women's Health and Genetics/Laboratory Corporation of America, LabCorp); PubMed 25326635 (cited by Baylor Genetics).